The following is an entry in ClinVar:

NM_173728.4(ARHGEF15):c.1358T>C (p.Leu453Pro)

Gene: ARHGEF15 (Rho guanine nucleotide exchange factor 15; plus strand). Cytogenetic location: 17p13.1.
Variant type: single nucleotide variant.
Coding change: c.1358T>C on transcript NM_173728.4 (MANE Select); coding-DNA position 1358, T replaced by C.
Protein change: p.Leu453Pro; replaces leucine 453 with proline.
Molecular consequence: missense variant.
Genome position (GRCh38, 1-based): chr17:8,315,511, T>C. VCF-style: chr17-8315511-T-C. GRCh37 (hg19) VCF-style: chr17-8218829-T-C.
Other names: c.1358T>C, p.Leu453Pro (NM_025014.2); short protein forms L453P.
Identifiers: ClinVar variation 1025073 (VCV001025073.9), dbSNP rs1331247989, ClinGen allele CA398020267.
Genomic context (GRCh38, chr17:8,315,511, plus strand): 5'-TGCGCTCCCTGCGGCTGCTGACCGACACCTTCGTGCTGAGCCAGGCACTCCGGGACACGC[T>C]CACCCCCCGTGATCACCACACACTCTTCTCCAATGTGCAGCGAGTCCAGGGAGTCAGCGA-3'
Protein context (NP_776089.2, residues 443-463): FVLSQALRDT[Leu453Pro]TPRDHHTLFS

ClinVar aggregate classification (germline): Uncertain significance (1 of 4 stars; one submission).

Conditions:
Early-infantile DEE. Also called: Ohtahara syndrome; Early infantile epileptic encephalopathy; Early infantile epileptic encephalopathy with suppression bursts. Identifiers: Orphanet 1934, MedGen C0393706, MONDO:0800491.

Allele frequency attached by ClinVar (database versions not stated): gnomAD exomes below 0.00001.
gnomAD v4.1: 2 of 1,612,482 alleles (0.00012%); highest among the groups gnomAD compares: Admixed American, 0.0033%; no homozygotes.

Submission:

Labcorp Genetics (formerly Invitae), Labcorp
Classification: Uncertain significance for Early-infantile DEE. Last evaluated: 2020-09-11. Review status: criteria provided, single submitter. Criteria: Invitae Variant Classification Sherloc (09022015). Collection method: clinical testing. Allele origin: germline.
Comment: In summary, the available evidence is currently insufficient to determine the role of this variant in disease. Therefore, it has been classified as a Variant of Uncertain Significance. Algorithms developed to predict the effect of missense changes on protein structure and function are either unavailable or do not agree on the potential impact of this missense change (SIFT: "Deleterious"; PolyPhen-2: "Probably Damaging"; Align-GVGD: "Class C0"). This variant has not been reported in the literature in individuals with ARHGEF15-related conditions. This variant is not present in population databases (ExAC no frequency). This sequence change replaces leucine with proline at codon 453 of the ARHGEF15 protein (p.Leu453Pro). The leucine residue is highly conserved and there is a moderate physicochemical difference between leucine and proline.